The following is an entry in ClinVar:

NM_001267550.2(TTN):c.104332A>G (p.Thr34778Ala)

Genes: TTN-AS1 (TTN antisense RNA 1; plus strand), TTN (titin; minus strand). Cytogenetic location: 2q31.2.
Variant type: single nucleotide variant.
Coding change: c.104332A>G on transcript NM_001267550.2 (MANE Select); coding-DNA position 104332, A replaced by G.
Protein change: p.Thr34778Ala; replaces threonine 34778 with alanine.
Molecular consequence: missense variant.
Genome position (GRCh38, 1-based): chr2:178,532,283, T>C on the plus strand (A>G on the coding strand, the complement: TTN is on the minus strand). VCF-style: chr2-178532283-T-C. GRCh37 (hg19) VCF-style: chr2-179397010-T-C.
Other names: c.99409A>G, p.Thr33137Ala (NM_001256850.1); c.77137A>G, p.Thr25713Ala (NM_003319.4); c.96628A>G, p.Thr32210Ala (NM_133378.4); c.77512A>G, p.Thr25838Ala (NM_133432.3); c.77713A>G, p.Thr25905Ala (NM_133437.4); c.104332A>G (NM_001267550.1); short protein forms T25905A, T25713A, T25838A, T32210A, T33137A, T34778A.
Identifiers: ClinVar variation 1470957 (VCV001470957.5), dbSNP rs765838260, ClinGen allele CA1985442.

ClinVar aggregate classification (germline): Uncertain significance. Review status: criteria provided, multiple submitters, no conflicts (2 of 4 stars). 2 submissions from 2 submitters: Uncertain significance (2). Last evaluated 2026-01-25.

Conditions:
Dilated cardiomyopathy 1G (CMD1G). Identifiers: Orphanet 154, MedGen C1858763, MONDO:0011400, OMIM 604145.
Autosomal recessive limb-girdle muscular dystrophy type 2J (LGMDR10). Also called: Limb-girdle muscular dystrophy, type 2J; MUSCULAR DYSTROPHY, LIMB-GIRDLE, AUTOSOMAL RECESSIVE 10. Identifiers: Orphanet 140922, MedGen C1837342, MONDO:0012127, OMIM 608807.

Allele frequency attached by ClinVar (database versions not stated): gnomAD exomes below 0.00001 and 0.00001; ExAC 0.00001.
gnomAD v4.1: 18 of 1,613,992 alleles (0.0011%); highest among the groups gnomAD compares: Non-Finnish European, 0.0015%; no homozygotes.

Submissions (2):

Labcorp Genetics (formerly Invitae), Labcorp
Classification: Uncertain significance for Dilated cardiomyopathy 1G; Autosomal recessive limb-girdle muscular dystrophy type 2J. Last evaluated: 2026-01-25. Review status: criteria provided, single submitter. Criteria: Invitae Variant Classification Sherloc (09022015). Collection method: clinical testing. Allele origin: germline.
Comment: This sequence change replaces threonine, which is neutral and polar, with alanine, which is neutral and non-polar, at codon 34778 of the TTN protein (p.Thr34778Ala). This variant is present in population databases (rs765838260, gnomAD 0.0009%). This variant has not been reported in the literature in individuals affected with TTN-related conditions. ClinVar contains an entry for this variant (Variation ID: 1470957). An algorithm developed to predict the effect of missense changes on protein structure and function outputs the following: PolyPhen-2: "Not Available". The alanine amino acid residue is found in multiple mammalian species, which suggests that this missense change does not adversely affect protein function. This variant is located in the M band of TTN (PMID: 25589632). Non-truncating variants in this region may be relevant for neuromuscular disorders, but have not been definitively shown to cause cardiomyopathy (PMID: 23975875). In summary, the available evidence is currently insufficient to determine the role of this variant in disease. Therefore, it has been classified as a Variant of Uncertain Significance.

GeneDx
Classification: Uncertain significance. Last evaluated: 2024-07-11. Review status: criteria provided, single submitter. Criteria: GeneDx Variant Classification Process June 2021. Collection method: clinical testing. Allele origin: germline. Affected: yes.
Comment: Not observed at significant frequency in large population cohorts (gnomAD); Missense variant in a gene in which most reported pathogenic variants are truncating/loss of function; Has not been previously published as pathogenic or benign to our knowledge

Literature cited by the submitters: PubMed 25589632 (cited by Labcorp Genetics (formerly Invitae), Labcorp); PubMed 23975875 (cited by Labcorp Genetics (formerly Invitae), Labcorp).